The following is an entry in ClinVar:

ClinVar aggregate classification (germline): Benign/Likely benign. Review status: criteria provided, multiple submitters, no conflicts (2 of 4 stars). 4 submissions from 4 submitters: Benign (2); Likely benign (2). Last evaluated 2026-06-01.

Conditions:
Pituitary adenoma 5, multiple types. Identifiers: MedGen C4539685, MONDO:0054601, OMIM 617540.
Autosomal recessive nonsyndromic hearing loss 12. Also called: DEAFNESS, AUTOSOMAL RECESSIVE 12. Identifiers: Orphanet 90636, MedGen C1832394, MONDO:0011067, OMIM 601386.
Usher syndrome type 1D (USH1D). Also called: USHER SYNDROME, TYPE ID. Identifiers: Orphanet 231169, Orphanet 886, MedGen C1832845, MONDO:0010984, OMIM 601067.

Allele frequency attached by ClinVar (database versions not stated): 1000 Genomes Project 30x 0.00156; 1000 Genomes Project 0.00160; gnomAD exomes 0.00332 and 0.00501; TOPMed 0.00339; ExAC 0.00357; gnomAD 0.00366 and 0.00376; ESP Exome Variant Server 0.00438.
gnomAD v4.1: 7,640 of 1,585,754 alleles (0.48%); highest among the groups gnomAD compares: Non-Finnish European, 0.6%; 25 homozygotes.

Submissions (4):

CeGaT Center for Human Genetics Tuebingen
Classification: Likely benign. Last evaluated: 2026-06-01. Review status: criteria provided, single submitter. Criteria: CeGaT Center For Human Genetics Tuebingen Variant Classification Criteria Version 2. Collection method: clinical testing. Allele origin: germline. Affected: yes. Observed: 14 variant alleles.
Comment: CDH23: BS2

Mendelics
Classification: Benign. Last evaluated: 2022-05-04. Review status: criteria provided, single submitter. Criteria: Mendelics Assertion Criteria 2019. Collection method: clinical testing. Allele origin: germline.

Fulgent Genetics
Classification: Likely benign for Usher syndrome type 1D; Autosomal recessive nonsyndromic hearing loss 12; Pituitary adenoma 5, multiple types. Last evaluated: 2021-10-01. Review status: criteria provided, single submitter. Criteria: ACMG Guidelines, 2015. Collection method: clinical testing. Allele origin: unknown.

Breakthrough Genomics
Classification: Benign. Review status: criteria provided, single submitter. Criteria: ACMG Guidelines, 2015. Collection method: not provided. Allele origin: germline. Inheritance: Autosomal recessive inheritance. Affected: yes.

NM_022124.6(CDH23):c.4845+9806G>A

Genes: CDH23 (cadherin related 23; plus strand), VSIR (V-set immunoregulatory receptor; minus strand). Cytogenetic location: 10q22.1.
Variant type: single nucleotide variant.
Coding change: c.4845+9806G>A on transcript NM_022124.6 (MANE Select); 9806 bases into the intron after coding-DNA position 4845, G replaced by A.
Molecular consequence: intron variant. On other transcripts: missense variant (1).
Genome position (GRCh38, 1-based): chr10:71,751,727, G>A. VCF-style: chr10-71751727-G-A. GRCh37 (hg19) VCF-style: chr10-73511484-G-A.
Other names: c.839C>T, p.Ser280Leu (NM_022153.2); short protein forms S280L.
Identifiers: ClinVar variation 1684840 (VCV001684840.27), dbSNP rs143240262, ClinGen allele CA5545236.
Genomic context (GRCh38, chr10:71,751,727, plus strand): 5'-CCCAGGGATGGGAAGAAGACGTCTCCGGGGCCTGGAGGAGACAGGGGGGTGCTGGGCTCC[G>A]AAAGCAGATGCCGCCCAGACTCAGAAGGCTGCCGCTGGGCCACATAGGACAGGGGGTGCC-3'